The following is an entry in ClinVar:

NM_145059.3(FCSK):c.2267C>G (p.Pro756Arg)

Gene: FCSK (fucose kinase; plus strand). Cytogenetic location: 16q22.1.
Variant type: single nucleotide variant.
Coding change: c.2267C>G on transcript NM_145059.3 (MANE Select); coding-DNA position 2267, C replaced by G.
Protein change: p.Pro756Arg; replaces proline 756 with arginine.
Molecular consequence: missense variant.
Genome position (GRCh38, 1-based): chr16:70,474,901, C>G. VCF-style: chr16-70474901-C-G. GRCh37 (hg19) VCF-style: chr16-70508804-C-G.
Other names: c.2267C>G (NM_145059.2); short protein forms P756R.
Identifiers: ClinVar variation 1682391 (VCV001682391.7), dbSNP rs371988447, ClinGen allele CA8143542.

ClinVar aggregate classification (germline): Uncertain significance. Review status: criteria provided, multiple submitters, no conflicts (2 of 4 stars). 2 submissions from 2 submitters: Uncertain significance (2). Last evaluated 2025-10-06.

Allele frequency attached by ClinVar (database versions not stated): ESP Exome Variant Server 0.00008.
gnomAD v4.1: 59 of 1,609,258 alleles (0.0037%); highest among the groups gnomAD compares: Non-Finnish European, 0.0049%; no homozygotes.

Submissions (2):

Ambry Genetics
Classification: Uncertain significance. Last evaluated: 2025-10-06. Review status: criteria provided, single submitter. Criteria: Ambry Variant Classification Scheme 2023. Collection method: clinical testing. Allele origin: germline.

Labcorp Genetics (formerly Invitae), Labcorp
Classification: Uncertain significance. Last evaluated: 2025-02-05. Review status: criteria provided, single submitter. Criteria: Invitae Variant Classification Sherloc (09022015). Collection method: clinical testing. Allele origin: germline.
Comment: This sequence change replaces proline, which is neutral and non-polar, with arginine, which is basic and polar, at codon 756 of the FUK protein (p.Pro756Arg). This variant is present in population databases (rs371988447, gnomAD 0.006%). This variant has not been reported in the literature in individuals affected with FUK-related conditions. ClinVar contains an entry for this variant (Variation ID: 1682391). An algorithm developed to predict the effect of missense changes on protein structure and function (PolyPhen-2) suggests that this variant is likely to be tolerated. In summary, the available evidence is currently insufficient to determine the role of this variant in disease. Therefore, it has been classified as a Variant of Uncertain Significance.